The following is an entry in ClinVar:

ClinVar aggregate classification (germline): Conflicting classifications of pathogenicity. Review status: criteria provided, conflicting classifications (1 of 4 stars). 2 submissions from 2 submitters: Uncertain significance (1); Likely benign (1). Last evaluated 2024-01-02.

Conditions:
Hereditary cancer-predisposing syndrome. Also called: Neoplastic Syndromes, Hereditary; Hereditary neoplastic syndrome; Tumor predisposition; Hereditary Cancer Syndrome. Identifiers: Orphanet 140162, MedGen C0027672, MeSH D009386, MONDO:0015356.
Hereditary breast ovarian cancer syndrome. Also called: BRCA1- and BRCA2-Associated Hereditary Breast and Ovarian Cancer; Hereditary breast and ovarian cancer syndrome (HBOC); Hereditary breast and ovarian cancer syndrome; Hereditary breast and ovarian cancer; Breast and ovarian cancer; Hereditary breast and/or ovarian cancer syndrome. Identifiers: Orphanet 145, MedGen C0677776, MeSH D061325, MONDO:0003582. Disease mechanism: loss of function.

Allele frequency attached by ClinVar (database versions not stated): gnomAD exomes below 0.00001; ExAC 0.00001.
gnomAD v4.1: 1 of 1,614,212 alleles (0.000062%); highest among the groups gnomAD compares: Non-Finnish European, 0.000085%; no homozygotes.

Submissions (2):

Labcorp Genetics (formerly Invitae), Labcorp
Classification: Uncertain significance for Hereditary breast ovarian cancer syndrome. Last evaluated: 2024-01-02. Review status: criteria provided, single submitter. Criteria: Invitae Variant Classification Sherloc (09022015). Collection method: clinical testing. Allele origin: germline.
Comment: This sequence change replaces lysine, which is basic and polar, with glutamic acid, which is acidic and polar, at codon 301 of the BRCA1 protein (p.Lys301Glu). This variant is present in population databases (rs756859863, gnomAD 0.0009%). This variant has not been reported in the literature in individuals affected with BRCA1-related conditions. ClinVar contains an entry for this variant (Variation ID: 1394854). Advanced modeling of protein sequence and biophysical properties (such as structural, functional, and spatial information, amino acid conservation, physicochemical variation, residue mobility, and thermodynamic stability) performed at Invitae indicates that this missense variant is not expected to disrupt BRCA1 protein function with a negative predictive value of 95%. In summary, the available evidence is currently insufficient to determine the role of this variant in disease. Therefore, it has been classified as a Variant of Uncertain Significance.

University of Washington Department of Laboratory Medicine, University of Washington
Classification: Likely benign for Hereditary cancer-predisposing syndrome. Last evaluated: 2023-03-23. Review status: criteria provided, single submitter. Criteria: Dines et al. (Genet Med. 2020). Collection method: curation. Allele origin: germline.
Comment: Missense variant in a coldspot region where missense variants are very unlikely to be pathogenic (PMID:31911673).

BRCA1 coldspot (exon 11 using historical exon numbering). Reclassification based on statistical prior probability

NM_007294.4(BRCA1):c.901A>G (p.Lys301Glu)

Gene: BRCA1 (BRCA1 DNA repair associated; minus strand). Cytogenetic location: 17q21.31.
Variant type: single nucleotide variant.
Coding change: c.901A>G on transcript NM_007294.4 (MANE Select); coding-DNA position 901, A replaced by G.
Protein change: p.Lys301Glu; replaces lysine 301 with glutamic acid.
Molecular consequence: missense variant. On other transcripts: intron variant (137).
Genome position (GRCh38, 1-based): chr17:43,094,630, T>C on the plus strand (A>G on the coding strand, the complement: BRCA1 is on the minus strand). VCF-style: chr17-43094630-T-C. GRCh37 (hg19) VCF-style: chr17-41246647-T-C.
Other names: c.664+114A>G (NM_001408444.1, NM_001408438.1, NM_001408430.1 and 12 more transcripts); c.670+1216A>G (NM_001408423.1, NM_001408420.1, NM_001408419.1 and 2 more transcripts); c.787+114A>G (NM_001408404.1, NM_001407973.1, NM_001408472.1 and 19 more transcripts); c.523+114A>G (NM_001408500.1, NM_001408497.1, NM_001408496.1 and 3 more transcripts); c.646+114A>G (NM_001408466.1, NM_001408452.1, NM_001408457.1 and 11 more transcripts); c.404-3598A>G (NM_001408511.1); c.520+114A>G (NM_001408505.1, NM_001408503.1, NM_001408504.1); c.460+1216A>G (NM_001408507.1, NM_001408506.1); and 40 more; short protein forms K254E, K301E, K174E, K213E, K189E, K212E, K230E, K300E.
Identifiers: ClinVar variation 1394854 (VCV001394854.9), dbSNP rs756859863, ClinGen allele CA056897.